The following is an entry in ClinVar:

ClinVar aggregate classification (germline): Uncertain significance. Review status: criteria provided, multiple submitters, no conflicts (2 of 4 stars). 2 submissions from 2 submitters: Uncertain significance (2). Last evaluated 2025-08-23.

Conditions:
Chondrodysplasia punctata, brachytelephalangic, autosomal. Also called: BRACHYTELEPHALANGIC CHONDRODYSPLASIA PUNCTATA. Identifiers: MedGen C1844853, MONDO:0011238, OMIM 602497.
Inborn genetic diseases. Identifiers: MedGen C0950123, MeSH D030342.

Allele frequency attached by ClinVar (database versions not stated): ExAC 0.00001; gnomAD 0.00001; gnomAD exomes 0.00001; TOPMed 0.00002.
gnomAD v4.1: 13 of 1,210,275 alleles (0.0011%); highest among the groups gnomAD compares: Non-Finnish European, 0.0013%; no homozygotes.

Submissions (2):

Ambry Genetics
Classification: Uncertain significance for Inborn genetic diseases. Last evaluated: 2025-08-23. Review status: criteria provided, single submitter. Criteria: Ambry Variant Classification Scheme 2023. Collection method: clinical testing. Allele origin: germline.

Labcorp Genetics (formerly Invitae), Labcorp
Classification: Uncertain significance for Chondrodysplasia punctata, brachytelephalangic, autosomal. Last evaluated: 2022-10-18. Review status: criteria provided, single submitter. Criteria: Invitae Variant Classification Sherloc (09022015). Collection method: clinical testing. Allele origin: germline.
Comment: This sequence change replaces alanine, which is neutral and non-polar, with valine, which is neutral and non-polar, at codon 45 of the ARSE protein (p.Ala45Val). This variant is present in population databases (rs761135869, gnomAD 0.001%). This variant has not been reported in the literature in individuals affected with ARSE-related conditions. Advanced modeling of protein sequence and biophysical properties (such as structural, functional, and spatial information, amino acid conservation, physicochemical variation, residue mobility, and thermodynamic stability) has been performed at Invitae for this missense variant, however the output from this modeling did not meet the statistical confidence thresholds required to predict the impact of this variant on ARSE protein function. In summary, the available evidence is currently insufficient to determine the role of this variant in disease. Therefore, it has been classified as a Variant of Uncertain Significance.

NM_000047.3(ARSL):c.134C>T (p.Ala45Val)

Gene: ARSL (arylsulfatase L; minus strand). Cytogenetic location: Xp22.33.
Variant type: single nucleotide variant.
Coding change: c.134C>T on transcript NM_000047.3 (MANE Select); coding-DNA position 134, C replaced by T.
Protein change: p.Ala45Val; replaces alanine 45 with valine.
Molecular consequence: missense variant. On other transcripts: intron variant (1).
Genome position (GRCh38, 1-based): chrX:2,958,325, G>A on the plus strand (C>T on the coding strand, the complement: ARSL is on the minus strand). VCF-style: chrX-2958325-G-A. GRCh37 (hg19) VCF-style: chrX-2876366-G-A.
Other names: c.134C>T (NM_000047.2); c.209C>T, p.Ala70Val (NM_001282628.2, NM_001369080.1); c.161C>T, p.Ala54Val (NM_001369079.1); c.23+2053C>T (NM_001282631.2); short protein forms A54V, A70V, A45V.
Identifiers: ClinVar variation 2163385 (VCV002163385.2), dbSNP rs761135869, ClinGen allele CA10338247.